The following is an entry in ClinVar:

NM_181332.3(NLGN4X):c.295G>A (p.Gly99Ser)

Gene: NLGN4X (neuroligin 4 X-linked; minus strand). Cytogenetic location: Xp22.31.
Variant type: single nucleotide variant.
Coding change: c.295G>A on transcript NM_181332.3 (MANE Select); coding-DNA position 295, G replaced by A.
Protein change: p.Gly99Ser; replaces glycine 99 with serine.
Molecular consequence: missense variant.
Genome position (GRCh38, 1-based): chrX:6,151,172, C>T on the plus strand (G>A on the coding strand, the complement: NLGN4X is on the minus strand). VCF-style: chrX-6151172-C-T. GRCh37 (hg19) VCF-style: chrX-6069213-C-T.
Other names: c.295G>A, p.Gly99Ser (NM_001282145.2, NM_001282146.2, NM_001441322.1 and 4 more transcripts); short protein forms G99S.
Identifiers: ClinVar variation 4992261 (VCV004992261.1).
Genomic context (GRCh38, chrX:6,151,172, plus strand): 5'-AGGATCTCTCATCCAGGTGCTGGGGGCACACAGCAGCAAACTGAGTAGTATTTCGGATGC[C>T]AGTCCAGGAGGACGGGGGTTCTGGGGGCTGAAACCGCCTCTCTCCAGTGGGGGGTGAGGC-3'
Protein context (NP_851849.1, residues 89-109): QPPEPPSSWT[Gly99Ser]IRNTTQFAAV

ClinVar aggregate classification (germline): Uncertain significance (1 of 4 stars; one submission).

Conditions:
NLGN4X-related disorder. Also called: NLGN4X-related condition.

Submission:

PreventionGenetics, part of Exact Sciences
Classification: Uncertain significance for NLGN4X-related condition. Last evaluated: 2026-02-01. Review status: criteria provided, single submitter. Criteria: ACMG Guidelines, 2015. Collection method: clinical testing. Allele origin: germline.
Comment: The NLGN4X c.295G>A variant is predicted to result in the amino acid substitution p.Gly99Ser. This variant was previously reported in two individuals who presented with autism; in one case, this variant was inherited from a mother with a learning disability (Yan et al. 2005. PubMed ID: 15622415; Nguyen et al. 2020. PubMed ID: 32243781). This variant was also reported in a patient who presented with seizures, although the authors expressed doubts about the causality of the variant (Sedlackova et al. 2023. PubMed ID: 38008000). Functional studies suggest that this variant may impair function (Yumoto et al. 2020. PubMed ID: 32873342; Nguyen et al. 2020. PubMed ID: 32243781), although these studies have been controversial (Cast et al. 2021. PubMed ID: 33268543). This variant has not been reported in a large population database (gnomAD), indicating this variant is rare. Although we suspect that this variant may be pathogenic, at this time, the clinical significance of this variant is uncertain due to the absence of conclusive functional and genetic evidence.